The following is an entry in ClinVar:

ClinVar aggregate classification (germline): Uncertain significance. Review status: criteria provided, multiple submitters, no conflicts (2 of 4 stars). 2 submissions from 2 submitters: Uncertain significance (2). Last evaluated 2025-06-17.

Conditions:
Inborn genetic diseases. Identifiers: MedGen C0950123, MeSH D030342.
Chédiak-Higashi syndrome (CHS). Also called: Chediak-Higashi Syndrome. Identifiers: Orphanet 167, MedGen C0007965, MONDO:0008963, OMIM 214500.

Allele frequency attached by ClinVar (database versions not stated): TOPMed below 0.00001; gnomAD 0.00001; gnomAD exomes 0.00002; ExAC 0.00005.
gnomAD v4.1: 42 of 1,613,594 alleles (0.0026%); highest among the groups gnomAD compares: Non-Finnish European, 0.0029%; 1 homozygote.

Submissions (2):

Ambry Genetics
Classification: Uncertain significance for Inborn genetic diseases. Last evaluated: 2025-06-17. Review status: criteria provided, single submitter. Criteria: Ambry Variant Classification Scheme 2023. Collection method: clinical testing. Allele origin: germline.

Labcorp Genetics (formerly Invitae), Labcorp
Classification: Uncertain significance for Chédiak-Higashi syndrome. Last evaluated: 2022-10-07. Review status: criteria provided, single submitter. Criteria: Invitae Variant Classification Sherloc (09022015). Collection method: clinical testing. Allele origin: germline.
Comment: This sequence change replaces glutamine, which is neutral and polar, with glutamic acid, which is acidic and polar, at codon 999 of the LYST protein (p.Gln999Glu). This variant is present in population databases (rs777859191, gnomAD 0.006%). This variant has not been reported in the literature in individuals affected with LYST-related conditions. Advanced modeling of protein sequence and biophysical properties (such as structural, functional, and spatial information, amino acid conservation, physicochemical variation, residue mobility, and thermodynamic stability) performed at Invitae indicates that this missense variant is not expected to disrupt LYST protein function. Algorithms developed to predict the effect of sequence changes on RNA splicing suggest that this variant may create or strengthen a splice site. In summary, the available evidence is currently insufficient to determine the role of this variant in disease. Therefore, it has been classified as a Variant of Uncertain Significance.

NM_000081.4(LYST):c.2995C>G (p.Gln999Glu)

Gene: LYST (lysosomal trafficking regulator; minus strand). Cytogenetic location: 1q42.3.
Variant type: single nucleotide variant.
Coding change: c.2995C>G on transcript NM_000081.4 (MANE Select); coding-DNA position 2995, C replaced by G.
Protein change: p.Gln999Glu; replaces glutamine 999 with glutamic acid.
Molecular consequence: missense variant.
Genome position (GRCh38, 1-based): chr1:235,806,141, G>C on the plus strand (C>G on the coding strand, the complement: LYST is on the minus strand). VCF-style: chr1-235806141-G-C. GRCh37 (hg19) VCF-style: chr1-235969441-G-C.
Other names: c.2995C>G (NM_000081.2); c.2995C>G, p.Gln999Glu (NM_001301365.1); short protein forms Q999E.
Identifiers: ClinVar variation 2150058 (VCV002150058.2), dbSNP rs777859191, ClinGen allele CA1467165.